The following is an entry in ClinVar:

ClinVar aggregate classification (germline): Uncertain significance (1 of 4 stars; one submission).

Submission:

Labcorp Genetics (formerly Invitae), Labcorp
Classification: Uncertain significance. Last evaluated: 2022-08-03. Review status: criteria provided, single submitter. Criteria: Invitae Variant Classification Sherloc (09022015). Collection method: clinical testing. Allele origin: germline.
Comment: This variant has not been reported in the literature in individuals affected with CACNA2D4-related conditions. This variant is not present in population databases (gnomAD no frequency). This sequence change replaces proline, which is neutral and non-polar, with glutamine, which is neutral and polar, at codon 413 of the CACNA2D4 protein (p.Pro413Gln). In summary, the available evidence is currently insufficient to determine the role of this variant in disease. Therefore, it has been classified as a Variant of Uncertain Significance. Algorithms developed to predict the effect of sequence changes on RNA splicing suggest that this variant may create or strengthen a splice site. Algorithms developed to predict the effect of missense changes on protein structure and function (SIFT, PolyPhen-2, Align-GVGD) all suggest that this variant is likely to be tolerated.

NM_172364.5(CACNA2D4):c.1238C>A (p.Pro413Gln)

Gene: CACNA2D4 (calcium voltage-gated channel auxiliary subunit alpha2delta 4; minus strand). Cytogenetic location: 12p13.33.
Variant type: single nucleotide variant.
Coding change: c.1238C>A on transcript NM_172364.5 (MANE Select); coding-DNA position 1238, C replaced by A.
Protein change: p.Pro413Gln; replaces proline 413 with glutamine.
Molecular consequence: missense variant.
Genome position (GRCh38, 1-based): chr12:1,884,802, G>T on the plus strand (C>A on the coding strand, the complement: CACNA2D4 is on the minus strand). VCF-style: chr12-1884802-G-T. GRCh37 (hg19) VCF-style: chr12-1993968-G-T.
Other names: short protein forms P413Q.
Identifiers: ClinVar variation 1714931 (VCV001714931.5), dbSNP rs758961705, ClinGen allele CA383358249.
Genomic context (GRCh38, chr12:1,884,802, plus strand): 5'-TCCCTGGACACCCGTGGGAGGGTCACCTTACAGTCTGGCCAGTTATACTTCTCAAACACC[G>T]GCTCGTAGTCCTCCACGGCGCCGTCGCTGATGAGCATGATGGCCTGGTTGCAGAGGCTTC-3'
Protein context (NP_758952.4, residues 403-423): ISDGAVEDYE[Pro413Gln]VFEKYNWPDC